The following is an entry in ClinVar:

NM_031418.4(ANO3):c.255G>T (p.Glu85Asp)

Gene: ANO3 (anoctamin 3; plus strand). Cytogenetic location: 11p14.2.
Variant type: single nucleotide variant.
Coding change: c.255G>T on transcript NM_031418.4 (MANE Select); coding-DNA position 255, G replaced by T.
Protein change: p.Glu85Asp; replaces glutamic acid 85 with aspartic acid.
Molecular consequence: missense variant.
Genome position (GRCh38, 1-based): chr11:26,443,778, G>T. VCF-style: chr11-26443778-G-T. GRCh37 (hg19) VCF-style: chr11-26465325-G-T.
Other names: c.438G>T, p.Glu146Asp (NM_001313726.2); short protein forms E85D, E146D.
Identifiers: ClinVar variation 2720823 (VCV002720823.3), dbSNP rs942840094, ClinGen allele CA219763777.

ClinVar aggregate classification (germline): Uncertain significance (1 of 4 stars; one submission).

Conditions:
Dystonic disorder. Also called: Dystonia. Identifiers: MedGen C0013421, MONDO:0003441, HP:0001332.

Submission:

Labcorp Genetics (formerly Invitae), Labcorp
Classification: Uncertain significance for Dystonic disorder. Last evaluated: 2023-06-17. Review status: criteria provided, single submitter. Criteria: Invitae Variant Classification Sherloc (09022015). Collection method: clinical testing. Allele origin: germline.
Comment: In summary, the available evidence is currently insufficient to determine the role of this variant in disease. Therefore, it has been classified as a Variant of Uncertain Significance. Advanced modeling of protein sequence and biophysical properties (such as structural, functional, and spatial information, amino acid conservation, physicochemical variation, residue mobility, and thermodynamic stability) performed at Invitae indicates that this missense variant is not expected to disrupt ANO3 protein function. This variant has not been reported in the literature in individuals affected with ANO3-related conditions. This variant is not present in population databases (gnomAD no frequency). This sequence change replaces glutamic acid, which is acidic and polar, with aspartic acid, which is acidic and polar, at codon 85 of the ANO3 protein (p.Glu85Asp).